The following is an entry in ClinVar:

NM_016148.5(SHANK1):c.4648C>G (p.Pro1550Ala)

Gene: SHANK1 (SH3 and multiple ankyrin repeat domains 1; minus strand). Cytogenetic location: 19q13.33.
Variant type: single nucleotide variant.
Coding change: c.4648C>G on transcript NM_016148.5 (MANE Select); coding-DNA position 4648, C replaced by G.
Protein change: p.Pro1550Ala; replaces proline 1550 with alanine.
Molecular consequence: missense variant.
Genome position (GRCh38, 1-based): chr19:50,667,312, G>C on the plus strand (C>G on the coding strand, the complement: SHANK1 is on the minus strand). VCF-style: chr19-50667312-G-C. GRCh37 (hg19) VCF-style: chr19-51170569-G-C.
Other names: short protein forms P1550A.
Identifiers: ClinVar variation 1722876 (VCV001722876.2), dbSNP rs2513877968, ClinGen allele CA407013556.
Genomic context (GRCh38, chr19:50,667,312, plus strand): 5'-GCGGAGGCAGCGGTTCCACGAAAAGGAATTCGCCATCTTCCACATCCACCGAGGGGGCGG[G>C]AGGCGGCAGGACCAGCAGGGGCAGCCCGTTCTCTTCGCTGGCCCTCGGGGAGGTCGGGGA-3'
Protein context (NP_057232.2, residues 1540-1560): NGLPLLVLPP[Pro1550Ala]APSVDVEDGE

ClinVar aggregate classification (germline): Uncertain significance (1 of 4 stars; one submission).

Submission:

GeneDx
Classification: Uncertain significance. Last evaluated: 2022-05-05. Review status: criteria provided, single submitter. Criteria: GeneDx Variant Classification Process June 2021. Collection method: clinical testing. Allele origin: germline. Affected: yes.
Comment: Not observed at significant frequency in large population cohorts (gnomAD); In silico analysis supports that this missense variant has a deleterious effect on protein structure/function; Has not been previously published as pathogenic or benign to our knowledge